The following is an entry in ClinVar:

NM_001379200.1(TBX1):c.186C>A (p.Cys62Ter)

Gene: TBX1 (T-box transcription factor 1; plus strand). Cytogenetic location: 22q11.21.
Variant type: single nucleotide variant.
Coding change: c.186C>A on transcript NM_001379200.1 (MANE Select); coding-DNA position 186, C replaced by A.
Protein change: p.Cys62Ter; replaces cysteine 62 with a stop codon.
Molecular consequence: nonsense.
Genome position (GRCh38, 1-based): chr22:19,761,029, C>A. VCF-style: chr22-19761029-C-A. GRCh37 (hg19) VCF-style: chr22-19748552-C-A.
Other names: c.159C>A, p.Cys53Ter (NM_005992.1, NM_080646.2, NM_080647.1); short protein forms C62*, C53*.
Identifiers: ClinVar variation 1378052 (VCV001378052.7), dbSNP rs2145827917, ClinGen allele CA410681332.

ClinVar aggregate classification (germline): Pathogenic (1 of 4 stars; one submission).

Conditions:
DiGeorge syndrome. Also called: THIRD AND FOURTH PHARYNGEAL POUCH SYNDROME; Catch22. Identifiers: Orphanet 567, MedGen C0012236, MONDO:0008564, OMIM 188400.
Velocardiofacial syndrome (VCFS). Also called: SHPRINTZEN VCF SYNDROME; VCF SYNDROME; Shprintzen syndrome. Identifiers: Orphanet 567, MedGen C0220704, MONDO:0008644, OMIM 192430. Disease mechanism: loss of function.

Allele frequency attached by ClinVar (database versions not stated): gnomAD exomes below 0.00001.
gnomAD v4.1: 1 of 882,302 alleles (0.00011%); highest among the groups gnomAD compares: Non-Finnish European, 0.00014%; no homozygotes.

Submission:

Labcorp Genetics (formerly Invitae), Labcorp
Classification: Pathogenic for DiGeorge syndrome. Last evaluated: 2021-06-20. Review status: criteria provided, single submitter. Criteria: Invitae Variant Classification Sherloc (09022015). Collection method: clinical testing. Allele origin: germline.
Comment: This variant has not been reported in the literature in individuals with TBX1-related conditions. This sequence change creates a premature translational stop signal (p.Cys53*) in the TBX1 gene. It is expected to result in an absent or disrupted protein product. Loss-of-function variants in TBX1 are known to be pathogenic (PMID: 25860641, 29500247). The frequency data for this variant in the population databases is considered unreliable, as metrics indicate insufficient coverage at this position in the ExAC database. Algorithms developed to predict the effect of sequence changes on RNA splicing suggest that this variant may create or strengthen a splice site, but this prediction has not been confirmed by published transcriptional studies. For these reasons, this variant has been classified as Pathogenic.

Literature cited by the submitters: PubMed 25860641 (cited by Labcorp Genetics (formerly Invitae), Labcorp); PubMed 29500247 (cited by Labcorp Genetics (formerly Invitae), Labcorp).